The following is an entry in ClinVar:

ClinVar aggregate classification (germline): Pathogenic/Likely pathogenic. Review status: criteria provided, multiple submitters, no conflicts (2 of 4 stars). 4 submissions from 4 submitters: Pathogenic (2); Likely pathogenic (1). 1 of the submissions does not count toward it. Last evaluated 2026-01-07.

Conditions:
Marfan syndrome (MFS). Also called: Marfan syndrome, classic; FBN1-Related Marfan Syndrome; Marfan syndrome type 1; Marfan's syndrome; MARFAN SYNDROME, TYPE I. Identifiers: Orphanet 284963, Orphanet 558, MedGen C0024796, MONDO:0007947, OMIM 154700.
Familial thoracic aortic aneurysm and aortic dissection (TAAD). Also called: Thoracic aortic aneurysms and dissections. Identifiers: Orphanet 91387, MedGen C4707243, MONDO:0019625.

Submissions (4):

Ambry Genetics
Classification: Pathogenic for Familial thoracic aortic aneurysm and aortic dissection. Last evaluated: 2026-01-07. Review status: criteria provided, single submitter. Criteria: Ambry Variant Classification Scheme 2023. Collection method: clinical testing. Allele origin: germline.
Comment: The p.C587G pathogenic mutation (also known as c.1759T>G), located in coding exon 14 of the FBN1 gene, results from a T to G substitution at nucleotide position 1759. The cysteine at codon 587 is replaced by glycine, an amino acid with highly dissimilar properties. This variant was reported in individual(s) with Marfan syndrome (Baudhuin LM et al. J Hum Genet, 2015 May;60:241-52; Seo GH et al. Medicine (Baltimore), 2018 May;97:e10767; Ambry internal data). The majority of FBN1 mutations identified to date have involved the substitution or generation of cysteine residues within cbEGF domains (Vollbrandt T et al. J Biol Chem. 2004;279(31):32924-32931). Internal structural analysis indicates this alteration eliminates a disulfide bond critical for the structural integrity of the cbEGF5 domain (Ambry internal data). This amino acid position is highly conserved in available vertebrate species. In addition, this alteration is predicted to be deleterious by in silico analysis. This variant is considered to be rare based on population cohorts in the Genome Aggregation Database (gnomAD). Based on the supporting evidence, this variant is interpreted as a disease-causing mutation.

Labcorp Genetics (formerly Invitae), Labcorp
Classification: Pathogenic for Marfan syndrome; Familial thoracic aortic aneurysm and aortic dissection. Last evaluated: 2025-11-09. Review status: criteria provided, single submitter. Criteria: Invitae Variant Classification Sherloc (09022015). Collection method: clinical testing. Allele origin: germline.
Comment: This sequence change replaces cysteine, which is neutral and slightly polar, with glycine, which is neutral and non-polar, at codon 587 of the FBN1 protein (p.Cys587Gly). This variant is not present in population databases (gnomAD no frequency). This missense change has been observed in individual(s) with Marfan syndrome (PMID: 25101912, 25652356). ClinVar contains an entry for this variant (Variation ID: 199978). Invitae Evidence Modeling of protein sequence and biophysical properties (such as structural, functional, and spatial information, amino acid conservation, physicochemical variation, residue mobility, and thermodynamic stability) indicates that this missense variant is expected to disrupt FBN1 protein function with a positive predictive value of 95%. This variant affects a cysteine residue in the EGF-like, TGFBP or hybrid motif domains of FBN1. Cysteine residues are believed to be involved in intramolecular disulfide bridges and have been shown to be important for FBN1 protein structure (PMID: 16905551, 19349279). In addition, missense substitutions affecting cysteine residues within these domains are significantly overrepresented among patients with Marfan syndrome (PMID: 16571647, 17701892). For these reasons, this variant has been classified as Pathogenic.

Molecular Diagnostics Laboratory, M Health Fairview: University of Minnesota
Classification: Likely pathogenic for Marfan syndrome. Last evaluated: 2021-09-28. Review status: criteria provided, single submitter. Criteria: ACMG Guidelines, 2015. Collection method: clinical testing. Allele origin: germline. Affected: yes.

Genetic Services Laboratory, University of Chicago
Classification: Pathogenic. Last evaluated: 2022-02-22. Review status: no assertion criteria provided. Collection method: clinical testing. Allele origin: germline. Affected: yes. Not counted in ClinVar's aggregate classification.
Comment: DNA sequence analysis of the FBN1 gene demonstrated a sequence change, c.1759T>G, in exon 15 that results in an amino acid change, p.Cys587Gly. This sequence change has not been described in population databases such as ExAC and gnomAD. The p.Cys587Gly change affects a highly conserved amino acid residue located in the epidermal-growth-factor (EGF)-like domain of the FBN1 protein that is known to be functional. The p.Cys587Gly substitution appears to be deleterious using several in-silico pathogenicity prediction tools (SIFT, PolyPhen2, REVEL). This pathogenic sequence change has previously been described in individuals with FBN1-related disorders (PMID: 22219643, 25101912, 25652356). Additionally, other missense variants at this same position (p.Cys587Arg, p.Cys587Tyr) have been reported in individuals with FBN1-related disorders (PMID: 19802897, 92548480). Missense variants that destroy a cysteine residue and missense variants affecting conserved residues in the EGF-like domain are well-documented mechanisms of disease in FBN1-related disorders (PMID: 20301510). Collectively, these evidences indicate this sequence change is pathogenic.

Literature cited by the submitters: PubMed 25652356 (cited by Ambry Genetics and Labcorp Genetics (formerly Invitae), Labcorp); PubMed 29768367 (cited by Ambry Genetics); PubMed 25101912 (cited by Labcorp Genetics (formerly Invitae), Labcorp); PubMed 16905551 (cited by Labcorp Genetics (formerly Invitae), Labcorp); PubMed 19349279 (cited by Labcorp Genetics (formerly Invitae), Labcorp); PubMed 16571647 (cited by Labcorp Genetics (formerly Invitae), Labcorp); PubMed 17701892 (cited by Labcorp Genetics (formerly Invitae), Labcorp).

NM_000138.5(FBN1):c.1759T>G (p.Cys587Gly)

Gene: FBN1 (fibrillin 1; minus strand). Cytogenetic location: 15q21.1.
Variant type: single nucleotide variant.
Coding change: c.1759T>G on transcript NM_000138.5 (MANE Select); coding-DNA position 1759, T replaced by G.
Protein change: p.Cys587Gly; replaces cysteine 587 with glycine.
Molecular consequence: missense variant.
Genome position (GRCh38, 1-based): chr15:48,508,660, A>C on the plus strand (T>G on the coding strand, the complement: FBN1 is on the minus strand). VCF-style: chr15-48508660-A-C. GRCh37 (hg19) VCF-style: chr15-48800857-A-C.
Other names: p.Cys587Gly; short protein forms C587G.
Identifiers: ClinVar variation 199978 (VCV000199978.12), dbSNP rs1555399968, ClinGen allele CA012547.